The following is an entry in ClinVar:

NM_175914.5(HNF4A):c.50-4655G>A

Gene: HNF4A (hepatocyte nuclear factor 4 alpha; plus strand). Cytogenetic location: 20q13.12.
Variant type: single nucleotide variant.
Coding change: c.50-4655G>A on transcript NM_175914.5 (MANE Select); 4655 bases into the intron before coding-DNA position 50, G replaced by A.
Molecular consequence: intron variant. On other transcripts: missense variant (3), 5 prime UTR variant (1).
Genome position (GRCh38, 1-based): chr20:44,401,403, G>A. VCF-style: chr20-44401403-G-A. GRCh37 (hg19) VCF-style: chr20-43030043-G-A.
Other names: c.31G>A, p.Asp11Asn (NM_000457.6, NM_178849.3, NM_178850.3); c.-82G>A (NM_001258355.2); c.41-4655G>A (NM_001287182.2, NM_001287183.2, NM_001287184.2); c.50-4655G>A (NM_001030003.3, NM_001030004.3); short protein forms D11N.
Identifiers: ClinVar variation 4979980 (VCV004979980.1).

ClinVar aggregate classification (germline): Uncertain significance (1 of 4 stars; one submission).

Conditions:
HNF4A-related disorder. Also called: HNF4A-related condition.

gnomAD v4.1: 8 of 1,614,214 alleles (0.0005%); highest among the groups gnomAD compares: East Asian, 0.018%; no homozygotes.

Submission:

PreventionGenetics, part of Exact Sciences
Classification: Uncertain significance for HNF4A-related condition. Last evaluated: 2026-02-02. Review status: criteria provided, single submitter. Criteria: ACMG Guidelines, 2015. Collection method: clinical testing. Allele origin: germline.
Comment: The HNF4A c.31G>A variant is predicted to result in the amino acid substitution p.Asp11Asn. To our knowledge, this variant has not been reported in the literature. This variant is reported in 0.022% of alleles in individuals of East Asian descent in gnomAD. At this time, the clinical significance of this variant is uncertain due to the absence of conclusive functional and genetic evidence.